The following is an entry in ClinVar:

ClinVar aggregate classification (germline): Pathogenic. Review status: criteria provided, multiple submitters, no conflicts (2 of 4 stars). 2 submissions from 2 submitters: Pathogenic (2). Last evaluated 2025-11-28.

Conditions:
Osteogenesis imperfecta (OI). Identifiers: Orphanet 666, MedGen C0029434, MeSH D010013, MONDO:0019019.

Submissions (2):

Women's Health and Genetics/Laboratory Corporation of America, LabCorp
Classification: Pathogenic for Osteogenesis imperfecta. Last evaluated: 2025-11-28. Review status: criteria provided, single submitter. Criteria: LabCorp Variant Classification Summary - May 2015. Collection method: clinical testing. Allele origin: germline.
Comment: Variant summary: FKBP10 c.1373dupC (p.His459AlafsX21) results in a premature termination codon, predicted to cause absence of the protein due to nonsense mediated decay, which is a commonly known mechanism for disease. The variant was absent in 219912 control chromosomes. To our knowledge, no occurrence of c.1373dupC in individuals affected with FKBP10-related conditions and no experimental evidence demonstrating its impact on protein function have been reported. ClinVar contains an entry for this variant (Variation ID: 3633705). Based on the evidence outlined above, the variant was classified as pathogenic.

Labcorp Genetics (formerly Invitae), Labcorp
Classification: Pathogenic. Last evaluated: 2024-12-17. Review status: criteria provided, single submitter. Criteria: Invitae Variant Classification Sherloc (09022015). Collection method: clinical testing. Allele origin: germline.
Comment: This sequence change creates a premature translational stop signal (p.His459Alafs*21) in the FKBP10 gene. It is expected to result in an absent or disrupted protein product. Loss-of-function variants in FKBP10 are known to be pathogenic (PMID: 22689593, 22949511). This variant is not present in population databases (gnomAD no frequency). This variant has not been reported in the literature in individuals affected with FKBP10-related conditions. For these reasons, this variant has been classified as Pathogenic.

Literature cited by the submitters: PubMed 22689593 (cited by Labcorp Genetics (formerly Invitae), Labcorp); PubMed 22949511 (cited by Labcorp Genetics (formerly Invitae), Labcorp).

NM_021939.4(FKBP10):c.1373dup (p.His459fs)

Gene: FKBP10 (FKBP prolyl isomerase 10; plus strand). Cytogenetic location: 17q21.2.
Variant type: Duplication.
Coding change: c.1373dup on transcript NM_021939.4 (MANE Select); coding-DNA position 1373, one base duplicated (C; older notation c.1373dupC).
Protein change: p.His459fs; shifts the reading frame from histidine 459.
Molecular consequence: frameshift variant.
Genome position (GRCh38, 1-based): chr17:41,821,063, C duplicated; the last of 5 consecutive C bases (chr17:41,821,059-41,821,063); duplicating any one gives the same sequence. VCF-style (leftmost placement, unchanged base first): chr17-41821058-G-GC. GRCh37 (hg19) VCF-style: chr17-39977310-G-GC.
Other names: c.1373dupC (NM_021939.4); short protein forms H459fs.
Identifiers: ClinVar variation 3633705 (VCV003633705.3).